The following is an entry in ClinVar:

NM_005548.3(KARS1):c.1015G>A (p.Glu339Lys)

Gene: KARS1 (lysyl-tRNA synthetase 1; minus strand). Cytogenetic location: 16q23.1.
Variant type: single nucleotide variant.
Coding change: c.1015G>A on transcript NM_005548.3 (MANE Select); coding-DNA position 1015, G replaced by A.
Protein change: p.Glu339Lys; replaces glutamic acid 339 with lysine.
Molecular consequence: missense variant.
Genome position (GRCh38, 1-based): chr16:75,631,756, C>T on the plus strand (G>A on the coding strand, the complement: KARS1 is on the minus strand). VCF-style: chr16-75631756-C-T. GRCh37 (hg19) VCF-style: chr16-75665654-C-T.
Other names: c.1099G>A, p.Glu367Lys (NM_001130089.2); c.547G>A, p.Glu183Lys (NM_001378148.1); short protein forms E367K, E339K, E183K.
Identifiers: ClinVar variation 521087 (VCV000521087.4), dbSNP rs1555512883, ClinGen allele CA396812115.

ClinVar aggregate classification (germline): Uncertain significance (1 of 4 stars; one submission).

Allele frequency attached by ClinVar (database versions not stated): gnomAD exomes below 0.00001.
gnomAD v4.1: 3 of 1,614,224 alleles (0.00019%); highest among the groups gnomAD compares: Non-Finnish European, 0.00017%; no homozygotes.

Submission:

Ambry Genetics
Classification: Uncertain significance. Last evaluated: 2020-01-21. Review status: criteria provided, single submitter. Criteria: Ambry Variant Classification Scheme 2023. Collection method: clinical testing. Allele origin: germline.
Comment: The c.1099G>A (p.E367K) alteration is located in exon 9 (coding exon 8) of the KARS gene. This alteration results from a G to A substitution at nucleotide position 1099, causing the glutamic acid (E) at amino acid position 367 to be replaced by a lysine (K). Based on data from the NHLBI Exome Sequencing Project (ESP), the KARS c.1099G>A alteration was not observed among 6,498 individuals tested. Allele frequency data for this nucleotide position are not currently available from the 1000 Genomes Project or the Exome Aggregation Consortium (ExAC) Database, and the alteration is not currently listed in the Database of Single Nucleotide Polymorphisms (dbSNP). Rare missense alleles commonly exhibit a deleterious effect on protein function (Kryukov, 2007; Tennessen, 2012; please note that some variants may appear to be rare due to ethnic underrepresentation in the database). The p.E367 amino acid is conserved in available vertebrate species. The p.E367K alteration is predicted to be probably damaging by Polyphen and deleterious by SIFT in silico analyses. Since supporting evidence is limited at this time, the clinical significance of this variant remains unclear The alteration is not observed in healthy cohorts:_x000D_ Based on data from the NHLBI Exome Sequencing Project (ESP), the KARS c.1099G>A alteration was not observed among 6,498 individuals tested. Allele frequency data for this nucleotide position are not currently available from the 1000 Genomes Project or the Exome Aggregation Consortium (ExAC) Database, and the alteration is not currently listed in the Database of Single Nucleotide Polymorphisms (dbSNP). Rare missense alleles commonly exhibit a deleterious effect on protein function (Kryukov, 2007; Tennessen, 2012; please note that some variants may appear to be rare due to ethnic underrepresentation in the database)._x000D_ IF USED, PULL THESE INTO REFERENCES:_x000D_ Kryukov GV, et al. (2007) Am J Hum Genet 80:727-739. Tennessen JA, et al. (2012) Science 337(64):64-69. The altered amino acid is conserved throughout evolution:_x000D_ The p.E367 amino acid is conserved in available vertebrate species. The amino acid is located in a functionally important protein domain:_x000D_ The p.E367 amino acid is located in the catalytic domain of the KARS protein. The function of the catalytic domain is to bind ATP, the tRNA acceptor stem, and to catalyze the aminoacylation reaction (Desogus, 2000). The alteration is predicted deleterious by in silico models:_x000D_ The p.E367K alteration is predicted to be probably damaging by Polyphen and deleterious by SIFT in silico analyses. Based on insufficient or conflicting evidence, the clinical significance of this alteration remains unclear.

Literature cited by the submitters: PubMed 10913247.